The following is an entry in ClinVar:

NM_001164277.2(SLC37A4):c.613G>A (p.Glu205Lys)

Gene: SLC37A4 (solute carrier family 37 member 4; minus strand). Cytogenetic location: 11q23.3.
Variant type: single nucleotide variant.
Coding change: c.613G>A on transcript NM_001164277.2 (MANE Select); coding-DNA position 613, G replaced by A.
Protein change: p.Glu205Lys; replaces glutamic acid 205 with lysine.
Molecular consequence: missense variant.
Genome position (GRCh38, 1-based): chr11:119,027,640, C>T on the plus strand (G>A on the coding strand, the complement: SLC37A4 is on the minus strand). VCF-style: chr11-119027640-C-T. GRCh37 (hg19) VCF-style: chr11-118898350-C-T.
Other names: c.613G>A, p.Glu205Lys (NM_001164278.2, NM_001164280.2, NM_001467.6); c.394G>A, p.Glu132Lys (NM_001164279.2); short protein forms E132K, E205K.
Identifiers: ClinVar variation 2897501 (VCV002897501.3), dbSNP rs1943610930, ClinGen allele CA382901875.
Genomic context (GRCh38, chr11:119,027,640, plus strand): 5'-CTGCCTGCTAAATGAGTGCCCCAGTGGTCGGTCTGGGTGGGGGCTCACCCTTCTTGCCCT[C>T]AGAGGGCATGGGGTCCAGGTTGCGGAGTCCAACATCAGCAGGTTCATTGTGGATGAGCAG-3'
Protein context (NP_001157749.1, residues 195-215): GLRNLDPMPS[Glu205Lys]GKKGSLKEES

ClinVar aggregate classification (germline): Uncertain significance (1 of 4 stars; one submission).

Conditions:
Glucose-6-phosphate transport defect (GSD1B). Also called: Glycogen Storage Disease Type Ib; GSD Ib. Identifiers: Orphanet 364, Orphanet 79259, MedGen C0268146, MONDO:0009288, OMIM 232220.

Allele frequency attached by ClinVar (database versions not stated): TOPMed 0.00001.

Submission:

Labcorp Genetics (formerly Invitae), Labcorp
Classification: Uncertain significance for Glucose-6-phosphate transport defect. Last evaluated: 2023-12-28. Review status: criteria provided, single submitter. Criteria: Invitae Variant Classification Sherloc (09022015). Collection method: clinical testing. Allele origin: germline.
Comment: This sequence change replaces glutamic acid, which is acidic and polar, with lysine, which is basic and polar, at codon 205 of the SLC37A4 protein (p.Glu205Lys). This variant is not present in population databases (gnomAD no frequency). This variant has not been reported in the literature in individuals affected with SLC37A4-related conditions. Advanced modeling of protein sequence and biophysical properties (such as structural, functional, and spatial information, amino acid conservation, physicochemical variation, residue mobility, and thermodynamic stability) performed at Invitae indicates that this missense variant is not expected to disrupt SLC37A4 protein function with a negative predictive value of 80%. In summary, the available evidence is currently insufficient to determine the role of this variant in disease. Therefore, it has been classified as a Variant of Uncertain Significance.